The following is an entry in ClinVar:

NM_001378454.1(ALMS1):c.5704G>A (p.Ala1902Thr)

Gene: ALMS1 (ALMS1 centrosome and basal body associated protein; plus strand). Cytogenetic location: 2p13.1.
Variant type: single nucleotide variant.
Coding change: c.5704G>A on transcript NM_001378454.1 (MANE Select); coding-DNA position 5704, G replaced by A.
Protein change: p.Ala1902Thr; replaces alanine 1902 with threonine.
Molecular consequence: missense variant.
Genome position (GRCh38, 1-based): chr2:73,452,231, G>A. VCF-style: chr2-73452231-G-A. GRCh37 (hg19) VCF-style: chr2-73679358-G-A.
Other names: c.5707G>A, p.Ala1903Thr (NM_015120.4); short protein forms A1903T, A1902T.
Identifiers: ClinVar variation 1520238 (VCV001520238.3), dbSNP rs1254278225, ClinGen allele CA347283033.

ClinVar aggregate classification (germline): Uncertain significance (1 of 4 stars; one submission).

Conditions:
Alstrom syndrome (ALMS). Identifiers: Orphanet 64, MedGen C0268425, MONDO:0008763, OMIM 203800.

Allele frequency attached by ClinVar (database versions not stated): gnomAD exomes below 0.00001.
gnomAD v4.1: 8 of 1,613,962 alleles (0.0005%); highest among the groups gnomAD compares: Non-Finnish European, 0.00068%; no homozygotes.

Submission:

Labcorp Genetics (formerly Invitae), Labcorp
Classification: Uncertain significance for Alstrom syndrome. Last evaluated: 2021-09-21. Review status: criteria provided, single submitter. Criteria: Invitae Variant Classification Sherloc (09022015). Collection method: clinical testing. Allele origin: germline.
Comment: This sequence change replaces alanine with threonine at codon 1903 of the ALMS1 protein (p.Ala1903Thr). The alanine residue is weakly conserved and there is a small physicochemical difference between alanine and threonine. This variant is not present in population databases (ExAC no frequency). This variant has not been reported in the literature in individuals affected with ALMS1-related conditions. Experimental studies and prediction algorithms are not available or were not evaluated, and the functional significance of this variant is currently unknown. In summary, the available evidence is currently insufficient to determine the role of this variant in disease. Therefore, it has been classified as a Variant of Uncertain Significance.